The following is an entry in ClinVar:

ClinVar aggregate classification (germline): Pathogenic (1 of 4 stars; one submission).

Conditions:
Arrhythmogenic cardiomyopathy with wooly hair and keratoderma. Also called: Dilated cardiomyopathy with woolly hair and keratoderma; PALMOPLANTAR KERATODERMA WITH LEFT VENTRICULAR CARDIOMYOPATHY AND WOOLLY HAIR; Carvajal syndrome; Arrhythmogenic cardiomyopathy with woolly hair and keratoderma. Identifiers: Orphanet 65282, MedGen C1854063, MONDO:0011581, OMIM 605676.
Arrhythmogenic right ventricular dysplasia 8 (ARVD8). Also called: Arrhythmogenic Right Ventricular Dysplasia/Cardiomyopathy 8; ARRHYTHMOGENIC RIGHT VENTRICULAR DYSPLASIA, FAMILIAL, 8; ARRHYTHMOGENIC RIGHT VENTRICULAR CARDIOMYOPATHY 8. Identifiers: MedGen C1843896, MONDO:0011831, OMIM 607450.

Submission:

Labcorp Genetics (formerly Invitae), Labcorp
Classification: Pathogenic for Arrhythmogenic cardiomyopathy with wooly hair and keratoderma; Arrhythmogenic right ventricular dysplasia 8. Last evaluated: 2024-07-16. Review status: criteria provided, single submitter. Criteria: Invitae Variant Classification Sherloc (09022015). Collection method: clinical testing. Allele origin: germline.
Comment: This sequence change creates a premature translational stop signal (p.Gln841*) in the DSP gene. It is expected to result in an absent or disrupted protein product. Loss-of-function variants in DSP are known to be pathogenic (PMID: 20716751, 24503780, 25227139). This variant is not present in population databases (gnomAD no frequency). This variant has not been reported in the literature in individuals affected with DSP-related conditions. For these reasons, this variant has been classified as Pathogenic.

Literature cited by the submitters: PubMed 20716751; PubMed 24503780; PubMed 25227139.

NM_004415.4(DSP):c.2521C>T (p.Gln841Ter)

Gene: DSP (desmoplakin; plus strand). Cytogenetic location: 6p24.3.
Variant type: single nucleotide variant.
Coding change: c.2521C>T on transcript NM_004415.4 (MANE Select); coding-DNA position 2521, C replaced by T.
Protein change: p.Gln841Ter; replaces glutamine 841 with a stop codon.
Molecular consequence: nonsense.
Genome position (GRCh38, 1-based): chr6:7,575,379, C>T. VCF-style: chr6-7575379-C-T. GRCh37 (hg19) VCF-style: chr6-7575612-C-T.
Other names: c.2521C>T, p.Gln841Ter (NM_001008844.3, NM_001319034.2); short protein forms Q841*.
Identifiers: ClinVar variation 2945201 (VCV002945201.3), dbSNP rs1759206117, ClinGen allele CA362681527.